The following is an entry in ClinVar:

ClinVar aggregate classification (germline): Conflicting classifications of pathogenicity. Review status: criteria provided, conflicting classifications (1 of 4 stars). 5 submissions from 5 submitters: Pathogenic (2); Likely pathogenic (1); Uncertain significance (1). 1 of the submissions does not count toward it. Last evaluated 2026-08-18.

Conditions:
Glutaric aciduria, type 1. Also called: Glutaryl-CoA dehydrogenase deficiency; Glutaricacidemia Type 1; Glutaricaciduria, type I; Glutaric Acidemia Type 1; GA I; Glutaric acidemia type I. Identifiers: Orphanet 25, MedGen C0268595, MONDO:0009281, OMIM 231670.

Allele frequency attached by ClinVar (database versions not stated): gnomAD exomes below 0.00001; ExAC 0.00001; gnomAD 0.00001.
gnomAD v4.1: 8 of 1,613,518 alleles (0.0005%); highest among the groups gnomAD compares: African/African-American, 0.0013%; no homozygotes.

Submissions (5):

Myriad Genetics, Inc.
Classification: Uncertain significance for Glutaric aciduria, type 1. Last evaluated: 2026-08-18. Review status: criteria provided, single submitter. Criteria: Myriad Autosomal Dominant, Autosomal Recessive and X-Linked Classification Criteria (2023). Collection method: clinical testing. Allele origin: unknown.
Comment: NM_000159.2(GCDH):c.1015A>G(M339V) is a missense variant classified as a variant of uncertain significance in the context of glutaric acidemia, GCDH-related. M339V has been observed in cases with relevant disease (PMID: 21176883, 34504725). Relevant functional assessments of this variant are not available in the literature. M339V has been observed in referenced population frequency databases. In summary, there is insufficient evidence to classify NM_000159.2(GCDH):c.1015A>G(M339V) as pathogenic or benign. Please note: this variant was assessed in the context of healthy population screening.

Women's Health and Genetics/Laboratory Corporation of America, LabCorp
Classification: Likely pathogenic for Glutaric aciduria, type 1. Last evaluated: 2026-01-27. Review status: criteria provided, single submitter. Criteria: LabCorp Variant Classification Summary - May 2015. Collection method: clinical testing. Allele origin: germline.
Comment: Variant summary: GCDH c.1015A>G (p.Met339Val) results in a conservative amino acid change in the encoded protein sequence. Algorithms developed to predict the effect of missense changes on protein structure and function are either unavailable or do not agree on the potential impact of this missense change. The variant allele was found at a frequency of 4e-06 in 251188 control chromosomes. c.1015A>G has been observed in compound heterozygous and homozygous individuals affected with Glutaric Acidemia Type 1 (Ikeda_1998, Mushimoto_2011, Tamhankar_2021). These data indicate that the variant is likely to be associated with disease. To our knowledge, no experimental evidence demonstrating an impact on protein function has been reported. The following publications have been ascertained in the context of this evaluation (PMID: 9856558, 21176883, 34504725). ClinVar contains an entry for this variant (Variation ID: 555257). Based on the evidence outlined above, the variant was classified as likely pathogenic.

Labcorp Genetics (formerly Invitae), Labcorp
Classification: Pathogenic for Glutaric aciduria, type 1. Last evaluated: 2025-09-01. Review status: criteria provided, single submitter. Criteria: Invitae Variant Classification Sherloc (09022015). Collection method: clinical testing. Allele origin: germline.
Comment: This sequence change replaces methionine, which is neutral and non-polar, with valine, which is neutral and non-polar, at codon 339 of the GCDH protein (p.Met339Val). This variant is present in population databases (rs752234195, gnomAD 0.008%). This missense change has been observed in individual(s) with glutaric acidemia type I (PMID: 9856558, 21176883, 34504725). In at least one individual the data is consistent with being in trans (on the opposite chromosome) from a pathogenic variant. ClinVar contains an entry for this variant (Variation ID: 555257). Invitae Evidence Modeling of protein sequence and biophysical properties (such as structural, functional, and spatial information, amino acid conservation, physicochemical variation, residue mobility, and thermodynamic stability) indicates that this missense variant is not expected to disrupt GCDH protein function with a negative predictive value of 80%. For these reasons, this variant has been classified as Pathogenic.

Baylor Genetics
Classification: Pathogenic for Glutaric aciduria, type 1. Last evaluated: 2023-07-20. Review status: criteria provided, single submitter. Criteria: ACMG Guidelines, 2015. Collection method: clinical testing. Allele origin: unknown.

Counsyl
Classification: Uncertain significance for Glutaric aciduria, type 1. Last evaluated: 2017-11-27. Review status: no assertion criteria provided. Collection method: clinical testing. Allele origin: unknown. Not counted in ClinVar's aggregate classification.

Literature cited by the submitters: PubMed 21176883 (cited by 4 submitters); PubMed 34504725 (cited by 3 submitters); PubMed 9856558 (cited by Women's Health and Genetics/Laboratory Corporation of America, LabCorp and Labcorp Genetics (formerly Invitae), Labcorp).

NM_000159.4(GCDH):c.1015A>G (p.Met339Val)

Gene: GCDH (glutaryl-CoA dehydrogenase; plus strand). Cytogenetic location: 19p13.13.
Variant type: single nucleotide variant.
Coding change: c.1015A>G on transcript NM_000159.4 (MANE Select); coding-DNA position 1015, A replaced by G.
Protein change: p.Met339Val; replaces methionine 339 with valine.
Molecular consequence: missense variant. On other transcripts: non-coding transcript variant (2).
Genome position (GRCh38, 1-based): chr19:12,897,361, A>G. VCF-style: chr19-12897361-A-G. GRCh37 (hg19) VCF-style: chr19-13008175-A-G.
Other names: c.1015A>G, p.Met339Val (NM_013976.5); short protein forms M339V.
Identifiers: ClinVar variation 555257 (VCV000555257.11), dbSNP rs752234195, ClinGen allele CA9234582.